The following is an entry in ClinVar:

NM_005633.4(SOS1):c.3532A>G (p.Ser1178Gly)

Gene: SOS1 (SOS Ras/Rac guanine nucleotide exchange factor 1; minus strand). Cytogenetic location: 2p22.1.
Variant type: single nucleotide variant.
Coding change: c.3532A>G on transcript NM_005633.4 (MANE Select); coding-DNA position 3532, A replaced by G.
Protein change: p.Ser1178Gly; replaces serine 1178 with glycine.
Molecular consequence: missense variant.
Genome position (GRCh38, 1-based): chr2:38,986,294, T>C on the plus strand (A>G on the coding strand, the complement: SOS1 is on the minus strand). VCF-style: chr2-38986294-T-C. GRCh37 (hg19) VCF-style: chr2-39213435-T-C.
Other names: c.3511A>G, p.Ser1171Gly (NM_001382394.1); c.3487A>G, p.Ser1163Gly (NM_001382395.1); short protein forms S1178G, S1163G, S1171G.
Identifiers: ClinVar variation 450090 (VCV000450090.2), dbSNP rs773306505, ClinGen allele CA346362946.

ClinVar aggregate classification (germline): Uncertain significance (1 of 4 stars; one submission).

Submission:

GeneDx
Classification: Uncertain significance. Last evaluated: 2017-06-30. Review status: criteria provided, single submitter. Criteria: GeneDx Variant Classification (06012015). Collection method: clinical testing. Allele origin: germline. Affected: yes.
Comment: The S1178G variant in the SOS1 gene has not been reported previously as a pathogenic variant, nor as a benign variant, to our knowledge. The S1178G variant is not observed at a significant frequency in large population cohorts (Lek et al., 2016; 1000 Genomes Consortium et al., 2015; Exome Variant Server). The S1178G variant is a non-conservative amino acid substitution, which is likely to impact secondary protein structure as these residues differ in polarity, charge, size and/or other properties. This substitution occurs at a position where amino acids with similar properties to Serine are tolerated across species. In silico analysis is inconsistent in its predictions as to whether or not the variant is damaging to the protein structure/function. We interpret S1178G as a variant of uncertain significance.